The following is an entry in ClinVar:

NM_005422.4(TECTA):c.4993T>G (p.Cys1665Gly)

Genes: TBCEL-TECTA (TBCEL-TECTA readthrough; plus strand), TECTA (tectorin alpha; plus strand). Cytogenetic location: 11q23.3.
Variant type: single nucleotide variant.
Coding change: c.4993T>G on transcript NM_005422.4 (MANE Select); coding-DNA position 4993, T replaced by G.
Protein change: p.Cys1665Gly; replaces cysteine 1665 with glycine.
Molecular consequence: missense variant.
Genome position (GRCh38, 1-based): chr11:121,162,091, T>G. VCF-style: chr11-121162091-T-G. GRCh37 (hg19) VCF-style: chr11-121032800-T-G.
Other names: c.5935T>G, p.Cys1979Gly (NM_001378761.1); short protein forms C1665G, C1979G.
Identifiers: ClinVar variation 4800641 (VCV004800641.1).

ClinVar aggregate classification (germline): Uncertain significance (1 of 4 stars; one submission).

Submission:

Labcorp Genetics (formerly Invitae), Labcorp
Classification: Uncertain significance. Last evaluated: 2025-04-13. Review status: criteria provided, single submitter. Criteria: Invitae Variant Classification Sherloc (09022015). Collection method: clinical testing. Allele origin: germline.
Comment: This sequence change replaces cysteine, which is neutral and slightly polar, with glycine, which is neutral and non-polar, at codon 1665 of the TECTA protein (p.Cys1665Gly). This variant is not present in population databases (gnomAD no frequency). This variant has not been reported in the literature in individuals affected with TECTA-related conditions. Invitae Evidence Modeling of protein sequence and biophysical properties (such as structural, functional, and spatial information, amino acid conservation, physicochemical variation, residue mobility, and thermodynamic stability) indicates that this missense variant is not expected to disrupt TECTA protein function with a negative predictive value of 95%. In summary, the available evidence is currently insufficient to determine the role of this variant in disease. Therefore, it has been classified as a Variant of Uncertain Significance.